The following is an entry in ClinVar:

ClinVar aggregate classification (germline): Conflicting classifications of pathogenicity. Review status: criteria provided, conflicting classifications (1 of 4 stars). 3 submissions from 3 submitters: Uncertain significance (2); Likely benign (1). Last evaluated 2026-02-13.

Allele frequency attached by ClinVar (database versions not stated): ExAC 0.00002; gnomAD exomes 0.00004 and 0.00007; TOPMed 0.00021; gnomAD 0.00024 and 0.00026.
gnomAD v4.1: 90 of 1,613,200 alleles (0.0056%); highest among the groups gnomAD compares: Admixed American, 0.068%; no homozygotes.

Submissions (3):

Women's Health and Genetics/Laboratory Corporation of America, LabCorp
Classification: Likely benign. Last evaluated: 2026-02-13. Review status: criteria provided, single submitter. Criteria: LabCorp Variant Classification Summary - May 2015. Collection method: clinical testing. Allele origin: germline.
Comment: Variant summary: TOP2B c.3139G>A (p.Gly1047Ser) results in a non-conservative amino acid change in the encoded protein sequence. Algorithms developed to predict the effect of missense changes on protein structure and function are either unavailable or do not agree on the potential impact of this missense change. The variant allele was found at a frequency of 6.9e-05 in 248152 control chromosomes. The observed variant frequency exceeds the estimated maximal expected allele frequency for disease-causing variants in TOP2B. To our knowledge, no occurrence of c.3139G>A in individuals affected with TOP2B-related conditions and no experimental evidence demonstrating its impact on protein function have been reported. ClinVar contains an entry for this variant (Variation ID: 1391122). Based on the evidence outlined above, the variant was classified as likely benign.

Ambry Genetics
Classification: Uncertain significance. Last evaluated: 2025-11-05. Review status: criteria provided, single submitter. Criteria: Ambry Variant Classification Scheme 2023. Collection method: clinical testing. Allele origin: germline.

Labcorp Genetics (formerly Invitae), Labcorp
Classification: Uncertain significance. Last evaluated: 2025-07-27. Review status: criteria provided, single submitter. Criteria: Invitae Variant Classification Sherloc (09022015). Collection method: clinical testing. Allele origin: germline.
Comment: This sequence change replaces glycine, which is neutral and non-polar, with serine, which is neutral and polar, at codon 1047 of the TOP2B protein (p.Gly1047Ser). This variant is present in population databases (rs776314891, gnomAD 0.04%), and has an allele count higher than expected for a pathogenic variant. This variant has not been reported in the literature in individuals affected with TOP2B-related conditions. ClinVar contains an entry for this variant (Variation ID: 1391122). An algorithm developed to predict the effect of missense changes on protein structure and function outputs the following: PolyPhen-2: "Benign". The serine amino acid residue is found in multiple mammalian species, which suggests that this missense change does not adversely affect protein function. In summary, the available evidence is currently insufficient to determine the role of this variant in disease. Therefore, it has been classified as a Variant of Uncertain Significance.

NM_001330700.2(TOP2B):c.3154G>A (p.Gly1052Ser)

Gene: TOP2B (DNA topoisomerase II beta; minus strand). Cytogenetic location: 3p24.2.
Variant type: single nucleotide variant.
Coding change: c.3154G>A on transcript NM_001330700.2 (MANE Select); coding-DNA position 3154, G replaced by A.
Protein change: p.Gly1052Ser; replaces glycine 1052 with serine.
Molecular consequence: missense variant.
Genome position (GRCh38, 1-based): chr3:25,618,759, C>T on the plus strand (G>A on the coding strand, the complement: TOP2B is on the minus strand). VCF-style: chr3-25618759-C-T. GRCh37 (hg19) VCF-style: chr3-25660250-C-T.
Other names: c.3139G>A, p.Gly1047Ser (NM_001068.3); c.3139G>A (NM_001068.2); short protein forms G1047S, G1052S.
Identifiers: ClinVar variation 1391122 (VCV001391122.11), dbSNP rs776314891, ClinGen allele CA2288364.